The following is an entry in ClinVar:

NM_001079524.2(PAICS):c.11C>T (p.Ala4Val)

Gene: PAICS (phosphoribosylaminoimidazole carboxylase and phosphoribosylaminoimidazolesuccinocarboxamide synthase; plus strand). Cytogenetic location: 4q12.
Variant type: single nucleotide variant.
Coding change: c.11C>T on transcript NM_001079524.2 (MANE Select); coding-DNA position 11, C replaced by T.
Protein change: p.Ala4Val; replaces alanine 4 with valine.
Molecular consequence: missense variant.
Genome position (GRCh38, 1-based): chr4:56,436,323, C>T. VCF-style: chr4-56436323-C-T. GRCh37 (hg19) VCF-style: chr4-57302489-C-T.
Other names: c.11C>T, p.Ala4Val (NM_001079525.2, NM_006452.4); c.1157C>T, p.Ala386Val (NM_001392010.1); c.1073C>T, p.Ala358Val (NM_001392011.1); c.638C>T, p.Ala213Val (NM_001392012.1); short protein forms A213V, A358V, A386V, A4V.
Identifiers: ClinVar variation 3250784 (VCV003250784.18), dbSNP rs2545699673.
Genomic context (GRCh38, chr4:56,436,323, plus strand): 5'-GTTCTGCCTCGCTTCCCGGCGCGGTCGCAGCCCTCAGCCCACTTAGGATAATGGCGACAG[C>T]TGAGGGTGAGTAACAGGGATCCGGGCCCTTCACGGTCTCCCTGACCCCCAGGCCGTGAGC-3'
Protein context (NP_001072992.1, residues 1-14): MAT[Ala4Val]EVLNIGKKLY

ClinVar aggregate classification (germline): Uncertain significance (1 of 4 stars; one submission).

gnomAD v4.1: 7 of 1,600,756 alleles (0.00044%); highest among the groups gnomAD compares: Middle Eastern, 0.017%; no homozygotes.

Submission:

CeGaT Center for Human Genetics Tuebingen
Classification: Uncertain significance. Last evaluated: 2024-06-01. Review status: criteria provided, single submitter. Criteria: CeGaT Center For Human Genetics Tuebingen Variant Classification Criteria Version 2. Collection method: clinical testing. Allele origin: germline. Affected: yes. Observed: 1 variant allele.
Comment: PAICS: PM2, BP4